The following is an entry in ClinVar:

NM_015909.4(NBAS):c.2882T>G (p.Leu961Ter)

Gene: NBAS (NBAS subunit of NRZ tethering complex; minus strand). Cytogenetic location: 2p24.3.
Variant type: single nucleotide variant.
Coding change: c.2882T>G on transcript NM_015909.4 (MANE Select); coding-DNA position 2882, T replaced by G.
Protein change: p.Leu961Ter; replaces leucine 961 with a stop codon.
Molecular consequence: nonsense. On other transcripts: non-coding transcript variant (1).
Genome position (GRCh38, 1-based): chr2:15,415,601, A>C on the plus strand (T>G on the coding strand, the complement: NBAS is on the minus strand). VCF-style: chr2-15415601-A-C. GRCh37 (hg19) VCF-style: chr2-15555725-A-C.
Other names: short protein forms L961*.
Identifiers: ClinVar variation 451096 (VCV000451096.2), dbSNP rs1553308501, ClinGen allele CA345885596.
Genomic context (GRCh38, chr2:15,415,601, plus strand): 5'-CTTACATCTGGTTTGGAATGCTGAAATATCTTCAGGGGAAATTTTAAGTCCCCTTTAGCT[A>C]AAGTTACTAAATATTCTTTTAATAGCTCATTAGCCACACCAGGCGACTGTTTCTCACAAC-3'

ClinVar aggregate classification (germline): Pathogenic (1 of 4 stars; one submission).

Allele frequency attached by ClinVar (database versions not stated): gnomAD exomes below 0.00001.
gnomAD v4.1: 1 of 1,614,080 alleles (0.000062%); highest among the groups gnomAD compares: Non-Finnish European, 0.000085%; no homozygotes.

Submission:

GeneDx
Classification: Pathogenic. Last evaluated: 2017-08-01. Review status: criteria provided, single submitter. Criteria: GeneDx Variant Classification (06012015). Collection method: clinical testing. Allele origin: germline. Affected: yes.
Comment: The L961X variant in the NBAS gene has not been reported previously as a pathogenic variant nor as a benign variant, to our knowledge. This variant is predicted to cause loss of normal protein function either through protein truncation or nonsense-mediated mRNA decay. The L961X variant is not observed in large population cohorts (Lek et al., 2016; 1000 Genomes Consortium et al., 2015; Exome Variant Server). We interpret L961X as a pathogenic variant.